The following is an entry in ClinVar:

ClinVar aggregate classification (germline): Likely benign. Review status: criteria provided, single submitter (1 of 4 stars). 3 submissions from 3 submitters: Likely benign (1). 2 of the submissions do not count toward it. Last evaluated 2025-01-25.

Conditions:
NPC1-related disorder. Also called: NPC1-related condition.
Niemann-Pick disease, type C1. Also called: NEUROVISCERAL STORAGE DISEASE WITH VERTICAL SUPRANUCLEAR OPHTHALMOPLEGIA; NIEMANN-PICK DISEASE WITH CHOLESTEROL ESTERIFICATION BLOCK; NIEMANN-PICK DISEASE WITHOUT SPHINGOMYELINASE DEFICIENCY; NIEMANN-PICK DISEASE, CHRONIC NEURONOPATHIC FORM; NIEMANN-PICK DISEASE, VARIANT TYPE C1. Identifiers: Orphanet 646, MedGen C3179455, MONDO:0009757, OMIM 257220.

Allele frequency attached by ClinVar (database versions not stated): TOPMed 0.00005; gnomAD 0.00006 and 0.00007; gnomAD exomes 0.00008 and 0.00018; ExAC 0.00016.
gnomAD v4.1: 124 of 1,614,062 alleles (0.0077%); highest among the groups gnomAD compares: South Asian, 0.1%; no homozygotes.

Submissions (3):

Labcorp Genetics (formerly Invitae), Labcorp
Classification: Likely benign for Niemann-Pick disease, type C1. Last evaluated: 2025-01-25. Review status: criteria provided, single submitter. Criteria: Invitae Variant Classification Sherloc (09022015). Collection method: clinical testing. Allele origin: germline.

PreventionGenetics, part of Exact Sciences
Classification: Likely benign for NPC1-related condition. Last evaluated: 2021-06-18. Review status: no assertion criteria provided. Collection method: clinical testing. Allele origin: germline. Not counted in ClinVar's aggregate classification.
Comment: This variant is classified as likely benign based on ACMG/AMP sequence variant interpretation guidelines (Richards et al. 2015 PMID: 25741868, with internal and published modifications).

Natera, Inc.
Classification: Uncertain significance for Niemann-Pick disease type C1. Last evaluated: 2020-03-10. Review status: no assertion criteria provided. Collection method: clinical testing. Allele origin: germline. Not counted in ClinVar's aggregate classification.

NM_000271.5(NPC1):c.2246-6C>T

Gene: NPC1 (NPC intracellular cholesterol transporter 1; minus strand). Cytogenetic location: 18q11.2.
Variant type: single nucleotide variant.
Coding change: c.2246-6C>T on transcript NM_000271.5 (MANE Select); 6 bases into the intron before coding-DNA position 2246, C replaced by T.
Molecular consequence: intron variant.
Genome position (GRCh38, 1-based): chr18:23,541,439, G>A on the plus strand (C>T on the coding strand, the complement: NPC1 is on the minus strand). VCF-style: chr18-23541439-G-A. GRCh37 (hg19) VCF-style: chr18-21121403-G-A.
Identifiers: ClinVar variation 744735 (VCV000744735.11), dbSNP rs757950161, ClinGen allele CA8913167.